The following is an entry in ClinVar:

ClinVar aggregate classification (germline): Pathogenic (1 of 4 stars; one submission).

Submission:

ISCA site 17
Classification: Pathogenic. Last evaluated: 2011-08-12. Review status: criteria provided, single submitter. Criteria: Kaminsky et al. (Genet Med. 2011). Collection method: clinical testing. Allele origin: unknown. Affected: yes. Observed: 1 variant allele.
Comment: Copy number variation identified through the course of routine clinical cytogenomic testing in postnatal populations. Clinical assertions have been curated as described in Kaminsky et al. 2011.

GRCh38/hg38 7q11.23(chr7:73352104-74719154)x1

Genes: ABHD11 (abhydrolase domain containing 11; minus strand), ABHD11-AS1 (ABHD11 antisense RNA 1 (tail to tail); plus strand), BAZ1B (bromodomain adjacent to zinc finger domain 1B; minus strand), BCL7B (BAF chromatin remodeling complex subunit BCL7B; minus strand), BUD23 (BUD23 rRNA methyltransferase and ribosome maturation factor; plus strand) and 125 more. Cytogenetic location: 7q11.23.
Variant type: copy number loss.
Change: copy number 1 (one copy instead of two) of chr7:73,352,104-74,719,154 (1.37 Mb, GRCh38 coordinates, 1-based), cytogenetic band 7q11.23.
Identifiers: ClinVar variation 59321 (VCV000059321.2).